The following is an entry in ClinVar:

NC_000017.10:g.(?_422368)_(2585096_?)dup

Genes: SMG6 (SMG6 nonsense mediated mRNA decay factor; minus strand), SMYD4 (SET and MYND domain containing 4; minus strand), SRR (serine racemase; plus strand), TIMM22 (translocase of inner mitochondrial membrane 22; plus strand), TLCD2 (TLC domain containing 2; minus strand) and 34 more. Cytogenetic location: 17p13.3.
Variant type: Duplication.
Identifiers: ClinVar variation 2445502 (VCV002445502.1).

ClinVar aggregate classification (germline): Uncertain significance (1 of 4 stars; one submission).

Submission:

Labcorp Genetics (formerly Invitae), Labcorp
Classification: Uncertain significance. Last evaluated: 2022-11-01. Review status: criteria provided, single submitter. Criteria: Invitae Variant Classification Sherloc (09022015). Collection method: clinical testing. Allele origin: germline.
Comment: A copy number gain of the genomic region encompassing the full coding sequence of the YWHAE gene has been identified. The boundaries of this event are unknown as they extend beyond the assayed region for this gene and therefore may encompass additional genes. As the precise location of this event is unknown, it may be in tandem or it may be located elsewhere in the genome. Isolated whole-gene copy number gains of YWHAE have not been reported in the literature. However, larger copy number events that include this gene have been reported (PMID: 23035971, 23813913, 31674007). In summary, the available evidence is currently insufficient to determine the role of this variant in disease. Therefore, it has been classified as a Variant of Uncertain Significance.

Literature cited by the submitters: PubMed 23035971; PubMed 23813913; PubMed 31674007.